The following is an entry in ClinVar:

ClinVar aggregate classification (germline): Benign/Likely benign. Review status: criteria provided, multiple submitters, no conflicts (2 of 4 stars). 13 submissions from 13 submitters: Benign (8); Likely benign (5). Last evaluated 2026-09-01.

Conditions:
Hereditary cancer-predisposing syndrome. Also called: Hereditary neoplastic syndrome; Tumor predisposition; Neoplastic Syndromes, Hereditary; Hereditary Cancer Syndrome. Identifiers: Orphanet 140162, MedGen C0027672, MeSH D009386, MONDO:0015356.
Gorlin syndrome. Also called: Nevoid Basal Cell Carcinoma Syndrome; Basal cell nevus syndrome. Identifiers: Orphanet 377, MedGen C0004779, MONDO:0007187.

Submissions (13):

CeGaT Center for Human Genetics Tuebingen
Classification: Benign. Last evaluated: 2026-09-01. Review status: criteria provided, single submitter. Criteria: CeGaT Center For Human Genetics Tuebingen Variant Classification Criteria Version 2. Collection method: clinical testing. Allele origin: germline. Affected: yes. Observed: 141 variant alleles.
Comment: PTCH1: BP4, BS1, BS2

Quest Diagnostics Nichols Institute San Juan Capistrano
Classification: Benign. Last evaluated: 2025-05-28. Review status: criteria provided, single submitter. Criteria: Quest Diagnostics criteria. Collection method: clinical testing. Allele origin: unknown.

Center for Genomic Medicine, Rigshospitalet, Copenhagen University Hospital
Classification: Benign. Last evaluated: 2025-03-04. Review status: criteria provided, single submitter. Criteria: ACMG Guidelines, 2015. Collection method: clinical testing. Allele origin: germline.

Mayo Clinic Laboratories, Mayo Clinic
Classification: Likely benign. Last evaluated: 2025-01-21. Review status: criteria provided, single submitter. Criteria: ACMG Guidelines, 2015. Collection method: clinical testing. Allele origin: germline. Observed: 3 variant alleles.
Comment: BS1, BP4, BP7

Blueprint Genetics
Classification: Likely benign. Last evaluated: 2024-11-27. Review status: criteria provided, single submitter. Criteria: ACMG Guidelines, 2015. Collection method: clinical testing. Allele origin: germline.

Labcorp Genetics (formerly Invitae), Labcorp
Classification: Benign for Gorlin syndrome. Last evaluated: 2024-04-08. Review status: criteria provided, single submitter. Criteria: Invitae Variant Classification Sherloc (09022015). Collection method: clinical testing. Allele origin: germline.

Genetic Services Laboratory, University of Chicago
Classification: Benign. Last evaluated: 2021-11-04. Review status: criteria provided, single submitter. Criteria: ACMG Guidelines, 2015. Collection method: clinical testing. Allele origin: germline. Affected: no.

Institute for Clinical Genetics, University Hospital TU Dresden, University Hospital TU Dresden
Classification: Benign. Last evaluated: 2021-11-03. Review status: criteria provided, single submitter. Criteria: ACMG Guidelines, 2015. Collection method: clinical testing. Allele origin: germline.

Women's Health and Genetics/Laboratory Corporation of America, LabCorp
Classification: Benign. Last evaluated: 2016-08-30. Review status: criteria provided, single submitter. Criteria: LabCorp Variant Classification Summary - May 2015. Collection method: clinical testing. Allele origin: germline.
Comment: Variant summary: c.-9_-4delGGCGGC affects mildly conserved nucleotides, resulting in a deletion of 6 nucleotides in the 5UTR region. This variant was found in 17/5008 control chromosomes of 1000Gs project at a frequency of 0.0034, which greatly exceeds the maximal expected frequency of a pathogenic allele (0.000017). The variant has been reported as Likely Benign by one reputable databases/clinical laboratories without evidence to independently evaluate. Taking together, the variant was classified as Benign.

Ambry Genetics
Classification: Likely benign for Hereditary cancer-predisposing syndrome. Last evaluated: 2015-08-15. Review status: criteria provided, single submitter. Criteria: Ambry Autosomal Dominant and X-Linked criteria (10/2015). Collection method: clinical testing. Allele origin: germline. Observed: 1 variant allele.
Comment: Co-occurence with mutation in same gene (phase unknown);In silico models in agreement (benign);Other data supporting benign classification

Eurofins Ntd Llc (ga)
Classification: Likely benign. Last evaluated: 2015-03-31. Review status: criteria provided, single submitter. Criteria: EGL Classification Definitions 2015. Collection method: clinical testing. Allele origin: germline. Observed: 1 variant allele.

GeneDx
Classification: Benign. Last evaluated: 2015-03-03. Review status: criteria provided, single submitter. Criteria: GeneDx Variant Classification Process June 2021. Collection method: clinical testing. Allele origin: germline. Affected: yes.

PreventionGenetics, part of Exact Sciences
Classification: Likely benign. Review status: criteria provided, single submitter. Criteria: ACMG Guidelines, 2015. Collection method: clinical testing. Allele origin: germline.

NM_000264.5(PTCH1):c.-24GGC[5]

Genes: PTCH1 (patched 1; minus strand), LOC130002133 (ATAC-STARR-seq lymphoblastoid silent region 20071; plus strand). Cytogenetic location: 9q22.32.
Variant type: Microsatellite.
Coding change: c.-24GGC[5] on transcript NM_000264.5 (MANE Select); five copies in a row of the 3-base unit GGC starting at c.-24; the reference has seven copies in a row; two copies, 6 bases deleted.
Molecular consequence: 5 prime UTR variant. On other transcripts: non-coding transcript variant (1), intron variant (3).
Genome position (GRCh38, 1-based): chr9:95,508,365-95,508,370, GCCGCC deleted on the plus strand (GGCGGC on the coding strand, the reverse complement: PTCH1 is on the minus strand); deleting any 6 consecutive bases within chr9:95,508,365-95,508,387 gives the same sequence; the position shown is the placement nearest the transcript's 3' end. VCF-style (leftmost placement, unchanged base first): chr9-95508364-TGCCGCC-T. GRCh37 (hg19) VCF-style: chr9-98270646-TGCCGCC-T.
Other names: p.?; c.-9_-4delGGCGGC (NM_000264.5); c.-24GGC[5] (NM_001354918.2); c.199-1786GGC[5] (NM_001083603.3); c.4-1786GGC[5] (NM_001083602.3, NM_001354919.2); c.-9_-4del (NM_000264.5).
Identifiers: ClinVar variation 193070 (VCV000193070.53), dbSNP rs71366293, ClinGen allele CA200296.
Genomic context (GRCh38, chr9:95,508,364, plus strand): 5'-AGCCGCTGCCGCCGCCGCCGCGGTCCTGGGGCTCGGCGGCGTTACCAGCCGAGGCCATGT[TGCCGCC>T]GCCGCCGCCGCCGCCGCGGGGACGGAGGCTTCCCGGGCGGCCCGGCGCGCTGCTGCCGCT-3'